The following is an entry in ClinVar:

NM_000059.4(BRCA2):c.7641A>G (p.Lys2547=)

Gene: BRCA2 (BRCA2 DNA repair associated; plus strand). Cytogenetic location: 13q13.1.
Variant type: single nucleotide variant.
Coding change: c.7641A>G on transcript NM_000059.4 (MANE Select); coding-DNA position 7641, A replaced by G.
Protein change: p.Lys2547=; no amino-acid change (lysine 2547 retained).
Molecular consequence: synonymous variant.
Genome position (GRCh38, 1-based): chr13:32,357,765, A>G. VCF-style: chr13-32357765-A-G. GRCh37 (hg19) VCF-style: chr13-32931902-A-G.
Identifiers: ClinVar variation 433817 (VCV000433817.7), dbSNP rs1555286393, ClinGen allele CA483439148.

ClinVar aggregate classification (germline): Likely benign. Review status: criteria provided, multiple submitters, no conflicts (2 of 4 stars). 3 submissions from 3 submitters: Likely benign (2). 1 of the submissions does not count toward it. Last evaluated 2025-06-23.

Conditions:
Hereditary cancer-predisposing syndrome. Also called: Hereditary Cancer Syndrome; Hereditary neoplastic syndrome; Neoplastic Syndromes, Hereditary; Tumor predisposition. Identifiers: Orphanet 140162, MedGen C0027672, MeSH D009386, MONDO:0015356.
Hereditary breast ovarian cancer syndrome. Also called: Hereditary breast and ovarian cancer syndrome (HBOC); Breast and ovarian cancer; BRCA1- and BRCA2-Associated Hereditary Breast and Ovarian Cancer; Hereditary breast and/or ovarian cancer syndrome; Hereditary breast and ovarian cancer; Hereditary breast and ovarian cancer syndrome. Identifiers: Orphanet 145, MedGen C0677776, MeSH D061325, MONDO:0003582. Disease mechanism: loss of function.
Malignant tumor of breast. Also called: Malignant breast neoplasm; Cancer breast. Identifiers: MedGen C0006142, MONDO:0007254. Disease mechanism: loss of function.

Submissions (3):

Ambry Genetics
Classification: Likely benign for Hereditary cancer-predisposing syndrome. Last evaluated: 2025-06-23. Review status: criteria provided, single submitter. Criteria: Ambry Variant Classification Scheme 2023. Collection method: clinical testing. Allele origin: germline.

Labcorp Genetics (formerly Invitae), Labcorp
Classification: Likely benign for Hereditary breast ovarian cancer syndrome. Last evaluated: 2023-11-01. Review status: criteria provided, single submitter. Criteria: Invitae Variant Classification Sherloc (09022015). Collection method: clinical testing. Allele origin: germline.

Department of Pathology and Laboratory Medicine, Sinai Health System
Classification: Likely benign for Malignant tumor of breast. Review status: no assertion criteria provided. Collection method: clinical testing. Allele origin: unknown. Affected: yes. Study: The Canadian Open Genetics Repository (COGR). Not counted in ClinVar's aggregate classification.
Comment: The BRCA2 p.Lys2547Lys variant was not identified in the literature, nor was it identified in the dbSNP, HGMD, LOVD, COSMIC, UMD, or BIC databases. The variant is not expected to have clinical significance because it does not result in a change of amino acid and is not located in a known consensus splice site. In summary, based on the above information, the clinical significance of this variant cannot be determined with certainty at this time although we would lean towards a more benign role for this variant. This variant is classified as predicted benign.